The following is an entry in ClinVar:

ClinVar aggregate classification (germline): Conflicting classifications of pathogenicity. Review status: criteria provided, conflicting classifications (1 of 4 stars). 3 submissions from 3 submitters: Uncertain significance (1); Likely benign (1). 1 of the submissions does not count toward it. Last evaluated 2025-11-10.

Conditions:
Meckel-Gruber syndrome. Also called: DYSENCEPHALIA SPLANCHNOCYSTICA; GRUBER SYNDROME; Dysencephalia splachnocystica. Identifiers: Orphanet 564, MedGen C0265215, MONDO:0018921.
Joubert syndrome. Also called: Familial aplasia of the vermis; JOUBERT-BOLTSHAUSER SYNDROME. Identifiers: Orphanet 475, MedGen C5979921, MONDO:0018772.
MKS1-related disorder. Also called: MKS1-related condition; MKS1-related disorders. Identifiers: MedGen CN239382.

Allele frequency attached by ClinVar (database versions not stated): gnomAD exomes below 0.00001 and 0.00001; ExAC 0.00001; gnomAD 0.00002 and 0.00003; TOPMed 0.00003; 1000 Genomes Project 30x 0.00016; 1000 Genomes Project 0.00020; ESP Exome Variant Server 0.00025.
gnomAD v4.1: 16 of 1,613,244 alleles (0.00099%); highest among the groups gnomAD compares: Non-Finnish European, 0.0014%; no homozygotes.

Submissions (3):

Labcorp Genetics (formerly Invitae), Labcorp
Classification: Likely benign for Joubert syndrome; Meckel-Gruber syndrome. Last evaluated: 2025-11-10. Review status: criteria provided, single submitter. Criteria: Invitae Variant Classification Sherloc (09022015). Collection method: clinical testing. Allele origin: germline.

Eurofins Ntd Llc (ga)
Classification: Uncertain significance. Last evaluated: 2017-01-30. Review status: criteria provided, single submitter. Criteria: EGL Classification Definitions 2015. Collection method: clinical testing. Allele origin: germline. Observed: 1 variant allele, 1 heterozygote.

PreventionGenetics, part of Exact Sciences
Classification: Likely benign for MKS1-related condition. Last evaluated: 2021-04-16. Review status: no assertion criteria provided. Collection method: clinical testing. Allele origin: germline. Not counted in ClinVar's aggregate classification.
Comment: This variant is classified as likely benign based on ACMG/AMP sequence variant interpretation guidelines (Richards et al. 2015 PMID: 25741868, with internal and published modifications).

NM_017777.4(MKS1):c.279C>T (p.Tyr93=)

Gene: MKS1 (MKS transition zone complex subunit 1; minus strand). Cytogenetic location: 17q22.
Variant type: single nucleotide variant.
Coding change: c.279C>T on transcript NM_017777.4 (MANE Select); coding-DNA position 279, C replaced by T.
Protein change: p.Tyr93=; no amino-acid change (tyrosine 93 retained).
Molecular consequence: synonymous variant. On other transcripts: 5 prime UTR variant (1).
Genome position (GRCh38, 1-based): chr17:58,216,226, G>A on the plus strand (C>T on the coding strand, the complement: MKS1 is on the minus strand). VCF-style: chr17-58216226-G-A. GRCh37 (hg19) VCF-style: chr17-56293587-G-A.
Other names: c.279C>T (NM_017777.3); c.-233C>T (NM_001321268.2); c.279C>T, p.Tyr93= (NM_001321269.2, NM_001330397.2).
Identifiers: ClinVar variation 499889 (VCV000499889.16), dbSNP rs187870415, ClinGen allele CA8669570.